The following is an entry in ClinVar:

NM_024422.6(DSC2):c.475G>T (p.Val159Phe)

Gene: DSC2 (desmocollin 2; minus strand). Cytogenetic location: 18q12.1.
Variant type: single nucleotide variant.
Coding change: c.475G>T on transcript NM_024422.6 (MANE Select); coding-DNA position 475, G replaced by T.
Protein change: p.Val159Phe; replaces valine 159 with phenylalanine.
Molecular consequence: missense variant.
Genome position (GRCh38, 1-based): chr18:31,089,594, C>A on the plus strand (G>T on the coding strand, the complement: DSC2 is on the minus strand). VCF-style: chr18-31089594-C-A. GRCh37 (hg19) VCF-style: chr18-28669557-C-A.
Other names: c.46G>T, p.Val16Phe (NM_001406506.1, NM_001406507.1); c.475G>T, p.Val159Phe (NM_004949.5); short protein forms V159F, V16F.
Identifiers: ClinVar variation 4075557 (VCV004075557.1).

ClinVar aggregate classification (germline): Uncertain significance (1 of 4 stars; one submission).

gnomAD v4.1: 2 of 1,613,272 alleles (0.00012%); highest among the groups gnomAD compares: Middle Eastern, 0.017%; no homozygotes.

Submission:

GeneDx
Classification: Uncertain significance. Last evaluated: 2025-02-06. Review status: criteria provided, single submitter. Criteria: GeneDx Variant Classification Process June 2021. Collection method: clinical testing. Allele origin: germline. Affected: yes.
Comment: Not observed at significant frequency in large population cohorts (gnomAD); In silico analysis supports that this missense variant has a deleterious effect on protein structure/function; Has not been previously published as pathogenic or benign to our knowledge